The following is an entry in ClinVar:

ClinVar aggregate classification (germline): Benign (1 of 4 stars; one submission).

Conditions:
Juvenile polyposis/hereditary hemorrhagic telangiectasia syndrome (JPHT). Also called: JP/HHT SYNDROME; JUVENILE POLYPOSIS WITH HEREDITARY HEMORRHAGIC TELANGIECTASIA; POLYPOSIS, GENERALIZED JUVENILE, WITH PULMONARY ARTERIOVENOUS MALFORMATION; TELANGIECTASIA, HEREDITARY HEMORRHAGIC, WITH JUVENILE POLYPOSIS COLI; Juvenile Polyposis Syndrome / Hereditary Hemorrhagic Telangiectasia (JPS/HHT). Identifiers: Orphanet 2929, MedGen C1832942, MONDO:0008278, OMIM 175050.

Submission:

Myriad Genetics, Inc.
Classification: Benign for Juvenile polyposis/hereditary hemorrhagic telangiectasia syndrome. Last evaluated: 2025-03-18. Review status: criteria provided, single submitter. Criteria: Myriad Autosomal Dominant, Autosomal Recessive and X-Linked Classification Criteria (2023). Collection method: clinical testing. Allele origin: unknown.
Comment: This variant is considered benign. This variant is a silent/synonymous amino acid change and it is not expected to impact splicing.

NM_005359.6(SMAD4):c.15T>G (p.Ser5=)

Gene: SMAD4 (SMAD family member 4; plus strand). Cytogenetic location: 18q21.2.
Variant type: single nucleotide variant.
Coding change: c.15T>G on transcript NM_005359.6 (MANE Select); coding-DNA position 15, T replaced by G.
Protein change: p.Ser5=; no amino-acid change (serine 5 retained).
Molecular consequence: synonymous variant. On other transcripts: non-coding transcript variant (2).
Genome position (GRCh38, 1-based): chr18:51,047,061, T>G. VCF-style: chr18-51047061-T-G. GRCh37 (hg19) VCF-style: chr18-48573431-T-G.
Other names: c.15T>G, p.Ser5= (NM_001407041.1, NM_001407042.1, NM_001407043.1).
Identifiers: ClinVar variation 3903914 (VCV003903914.1).